The following is an entry in ClinVar:

NM_138694.4(PKHD1):c.10280T>G (p.Leu3427Ter)

Gene: PKHD1 (PKHD1 ciliary IPT domain containing fibrocystin/polyductin; minus strand). Cytogenetic location: 6p12.3.
Variant type: single nucleotide variant.
Coding change: c.10280T>G on transcript NM_138694.4 (MANE Select); coding-DNA position 10280, T replaced by G.
Protein change: p.Leu3427Ter; replaces leucine 3427 with a stop codon.
Molecular consequence: nonsense.
Genome position (GRCh38, 1-based): chr6:51,659,846, A>C on the plus strand (T>G on the coding strand, the complement: PKHD1 is on the minus strand). VCF-style: chr6-51659846-A-C. GRCh37 (hg19) VCF-style: chr6-51524644-A-C.
Other names: short protein forms L3427*.
Identifiers: ClinVar variation 4816538 (VCV004816538.1).

ClinVar aggregate classification (germline): Likely pathogenic (1 of 4 stars; one submission).

Conditions:
Autosomal recessive polycystic kidney disease (ARPKD). Also called: AR polycystic kidney disease. Identifiers: Orphanet 731, Orphanet 8378, MedGen C0085548, MeSH D017044, MONDO:0009889.

Submission:

Natera, Inc.
Classification: Likely pathogenic for Autosomal recessive polycystic kidney disease. Last evaluated: 2024-12-06. Review status: criteria provided, single submitter. Criteria: Natera Variant Classification Schema (03/2026). Collection method: clinical testing. Allele origin: germline.
Comment: The c.10280T>G variant in PKHD1 is a nonsense variant predicted to introduce a stop codon at amino acid 3427. This variant is expected to result in nonsense mediated decay, truncation, or a dysfunctional protein product. This variant is rare in the general population with a frequency below the threshold expected for the associated phenotype(s). Given the available evidence, this variant is classified as Likely Pathogenic.